The following is an entry in ClinVar:

NM_001001557.4(GDF6):c.61C>G (p.Pro21Ala)

Gene: GDF6 (growth differentiation factor 6; minus strand). Cytogenetic location: 8q22.1.
Variant type: single nucleotide variant.
Coding change: c.61C>G on transcript NM_001001557.4 (MANE Select); coding-DNA position 61, C replaced by G.
Protein change: p.Pro21Ala; replaces proline 21 with alanine.
Molecular consequence: missense variant.
Genome position (GRCh38, 1-based): chr8:96,160,632, G>C on the plus strand (C>G on the coding strand, the complement: GDF6 is on the minus strand). VCF-style: chr8-96160632-G-C. GRCh37 (hg19) VCF-style: chr8-97172860-G-C.
Other names: short protein forms P21A.
Identifiers: ClinVar variation 3760514 (VCV003760514.2).

ClinVar aggregate classification (germline): Uncertain significance (1 of 4 stars; one submission).

Conditions:
Klippel-Feil syndrome 1, autosomal dominant (KFS1). Also called: CERVICAL VERTEBRAL FUSION, AUTOSOMAL DOMINANT. Identifiers: Orphanet 2345, MedGen C1861689, MONDO:0007306, OMIM 118100.
Microphthalmia, isolated, with coloboma 6 (MCOPCB6). Also called: Microphthalmia with coloboma 6, digenic; Microphthalmia with coloboma 6; MICROPHTHALMIA/COLOBOMA 6. Identifiers: Orphanet 98938, MedGen C3150968, MONDO:0013376, OMIM 613703.
Leber congenital amaurosis 17 (LCA17). Identifiers: MONDO:0014145, OMIM 615360, Orphanet 65, MedGen C3715164.
Isolated microphthalmia 4. Identifiers: Orphanet 2542, MedGen C2751307, MONDO:0013130, OMIM 613094.

gnomAD v4.1: 2 of 1,613,604 alleles (0.00012%); highest among the groups gnomAD compares: Non-Finnish European, 0.000085%; no homozygotes.

Submission:

Labcorp Genetics (formerly Invitae), Labcorp
Classification: Uncertain significance for Isolated microphthalmia 4; Leber congenital amaurosis 17; Klippel-Feil syndrome 1, autosomal dominant; Microphthalmia, isolated, with coloboma 6. Last evaluated: 2025-01-08. Review status: criteria provided, single submitter. Criteria: Invitae Variant Classification Sherloc (09022015). Collection method: clinical testing. Allele origin: germline.
Comment: This sequence change replaces proline, which is neutral and non-polar, with alanine, which is neutral and non-polar, at codon 21 of the GDF6 protein (p.Pro21Ala). This variant is not present in population databases (gnomAD no frequency). This variant has not been reported in the literature in individuals affected with GDF6-related conditions. An algorithm developed to predict the effect of missense changes on protein structure and function (PolyPhen-2) suggests that this variant is likely to be disruptive. In summary, the available evidence is currently insufficient to determine the role of this variant in disease. Therefore, it has been classified as a Variant of Uncertain Significance.